The following is an entry in ClinVar:

NM_001077653.2(TBX20):c.218G>C (p.Ser73Thr)

Gene: TBX20 (T-box transcription factor 20; minus strand). Cytogenetic location: 7p14.2.
Variant type: single nucleotide variant.
Coding change: c.218G>C on transcript NM_001077653.2 (MANE Select); coding-DNA position 218, G replaced by C.
Protein change: p.Ser73Thr; replaces serine 73 with threonine.
Molecular consequence: missense variant.
Genome position (GRCh38, 1-based): chr7:35,250,113, C>G on the plus strand (G>C on the coding strand, the complement: TBX20 is on the minus strand). VCF-style: chr7-35250113-C-G. GRCh37 (hg19) VCF-style: chr7-35289725-C-G.
Other names: c.218G>C, p.Ser73Thr (NM_001166220.1); short protein forms S73T.
Identifiers: ClinVar variation 3453873 (VCV003453873.1).

ClinVar aggregate classification (germline): Uncertain significance (1 of 4 stars; one submission).

Conditions:
Cardiovascular phenotype. Identifiers: MedGen CN230736.

Submission:

Ambry Genetics
Classification: Uncertain significance for Cardiovascular phenotype. Last evaluated: 2024-08-06. Review status: criteria provided, single submitter. Criteria: Ambry Variant Classification Scheme 2023. Collection method: clinical testing. Allele origin: germline.
Comment: The p.S73T variant (also known as c.218G>C), located in coding exon 2 of the TBX20 gene, results from a G to C substitution at nucleotide position 218. The serine at codon 73 is replaced by threonine, an amino acid with similar properties. This amino acid position is conserved. In addition, this alteration is predicted to be tolerated by in silico analysis. Based on the available evidence, the clinical significance of this variant remains unclear.